The following is an entry in ClinVar:

NM_001267550.2(TTN):c.64594A>G (p.Lys21532Glu)

Genes: TTN (titin; minus strand), TTN-AS1 (TTN antisense RNA 1; plus strand). Cytogenetic location: 2q31.2.
Variant type: single nucleotide variant.
Coding change: c.64594A>G on transcript NM_001267550.2 (MANE Select); coding-DNA position 64594, A replaced by G.
Protein change: p.Lys21532Glu; replaces lysine 21532 with glutamic acid.
Molecular consequence: missense variant.
Genome position (GRCh38, 1-based): chr2:178,585,150, T>C on the plus strand (A>G on the coding strand, the complement: TTN is on the minus strand). VCF-style: chr2-178585150-T-C. GRCh37 (hg19) VCF-style: chr2-179449877-T-C.
Other names: p.K19891E:AAA>GAA; c.59671A>G, p.Lys19891Glu (NM_001256850.1); c.37399A>G, p.Lys12467Glu (NM_003319.4); c.56890A>G, p.Lys18964Glu (NM_133378.4); c.37774A>G, p.Lys12592Glu (NM_133432.3); c.37975A>G, p.Lys12659Glu (NM_133437.4); short protein forms K19891E, K21532E, K12467E, K12592E, K18964E, K12659E.
Identifiers: ClinVar variation 202785 (VCV000202785.4), dbSNP rs794729477, ClinGen allele CA310281.

ClinVar aggregate classification (germline): Uncertain significance. Review status: criteria provided, multiple submitters, no conflicts (2 of 4 stars). 2 submissions from 2 submitters: Uncertain significance (2). Last evaluated 2020-05-28.

Conditions:
Cardiovascular phenotype. Identifiers: MedGen CN230736.

Allele frequency attached by ClinVar (database versions not stated): gnomAD exomes 0.00001.
gnomAD v4.1: 6 of 1,613,402 alleles (0.00037%); highest among the groups gnomAD compares: Non-Finnish European, 0.00051%; no homozygotes.

Submissions (2):

Ambry Genetics
Classification: Uncertain significance for Cardiovascular phenotype. Last evaluated: 2020-05-28. Review status: criteria provided, single submitter. Criteria: Ambry Variant Classification Scheme 2023. Collection method: clinical testing. Allele origin: germline.
Comment: The p.K12467E variant (also known as c.37399A>G), located in coding exon 136 of the TTN gene, results from an A to G substitution at nucleotide position 37399. The lysine at codon 12467 is replaced by glutamic acid, an amino acid with similar properties. This amino acid position is well conserved in available vertebrate species. In addition, this alteration is predicted to be tolerated by in silico analysis. Since supporting evidence is limited at this time, the clinical significance of this alteration remains unclear.

GeneDx
Classification: Uncertain significance. Last evaluated: 2013-03-14. Review status: criteria provided, single submitter. Criteria: GeneDx Variant Classification (06012015). Collection method: clinical testing. Allele origin: germline. Affected: yes.
Comment: Missense variants in the TTN gene are considered 'unclassified' if they are not previously reported in the literature and do not have >1% frequency in the population to be considered a polymorphism. Research indicates that truncating mutations in the TTN gene are expected to account for approximately 25% of familial and 18% of sporadic idiopathic DCM; however, truncating variants in the TTN gene have been reported in approximately 3% of reported control alleles. There has been little investigation into non-truncating variants. (Herman D et al. Truncations of titin causing dilated cardiomyopathy. N Eng J Med 366:619-628, 2012) The variant is found in DCM panel(s).